The following is an entry in ClinVar:

ClinVar aggregate classification (germline): Conflicting classifications of pathogenicity. Review status: criteria provided, conflicting classifications (1 of 4 stars). 6 submissions from 6 submitters: Uncertain significance (1); Likely benign (5). Last evaluated 2025-09-11.

Conditions:
Rhabdoid tumor predisposition syndrome 2 (RTPS2). Identifiers: Orphanet 231108, Orphanet 69077, MedGen C2750074, MONDO:0013224, OMIM 613325.
Hereditary cancer-predisposing syndrome. Also called: Tumor predisposition; Hereditary Cancer Syndrome; Neoplastic Syndromes, Hereditary; Hereditary neoplastic syndrome. Identifiers: Orphanet 140162, MedGen C0027672, MeSH D009386, MONDO:0015356.

Allele frequency attached by ClinVar (database versions not stated): gnomAD exomes below 0.00001; gnomAD 0.00001; TOPMed 0.00001.
gnomAD v4.1: 6 of 1,602,624 alleles (0.00037%); highest among the groups gnomAD compares: Non-Finnish European, 0.00043%; no homozygotes.

Submissions (6):

Labcorp Genetics (formerly Invitae), Labcorp
Classification: Likely benign for Rhabdoid tumor predisposition syndrome 2. Last evaluated: 2025-09-11. Review status: criteria provided, single submitter. Criteria: Invitae Variant Classification Sherloc (09022015). Collection method: clinical testing. Allele origin: germline.

Quest Diagnostics Nichols Institute San Juan Capistrano
Classification: Likely benign. Last evaluated: 2025-02-07. Review status: criteria provided, single submitter. Criteria: Quest Diagnostics criteria. Collection method: clinical testing. Allele origin: unknown.

GeneDx
Classification: Uncertain significance. Last evaluated: 2024-10-16. Review status: criteria provided, single submitter. Criteria: GeneDx Variant Classification Process June 2021. Collection method: clinical testing. Allele origin: germline. Affected: yes.
Comment: In silico analysis indicates that this variant does not alter splicing; Has not been previously published as pathogenic or benign to our knowledge

Blueprint Genetics
Classification: Likely benign. Last evaluated: 2024-08-23. Review status: criteria provided, single submitter. Criteria: ACMG Guidelines, 2015. Collection method: clinical testing. Allele origin: germline.

ARUP Laboratories, Molecular Genetics and Genomics, ARUP Laboratories
Classification: Likely benign. Last evaluated: 2024-02-27. Review status: criteria provided, single submitter. Criteria: ARUP Molecular Germline Variant Investigation Process 2024. Collection method: clinical testing. Allele origin: germline.

Ambry Genetics
Classification: Likely benign for Hereditary cancer-predisposing syndrome. Last evaluated: 2017-03-15. Review status: criteria provided, single submitter. Criteria: Ambry Variant Classification Scheme 2023. Collection method: clinical testing. Allele origin: germline.

NM_001387283.1(SMARCA4):c.4227A>G (p.Gln1409=)

Gene: SMARCA4 (SWI/SNF related BAF chromatin remodeling complex subunit ATPase 4; plus strand). Cytogenetic location: 19p13.2.
Variant type: single nucleotide variant.
Coding change: c.4227A>G on transcript NM_001387283.1 (MANE Plus Clinical); coding-DNA position 4227, A replaced by G.
Protein change: p.Gln1409=; no amino-acid change (glutamine 1409 retained).
Molecular consequence: synonymous variant. On other transcripts: intron variant (7).
Genome position (GRCh38, 1-based): chr19:11,039,514, A>G. VCF-style: chr19-11039514-A-G. GRCh37 (hg19) VCF-style: chr19-11150190-A-G.
Other names: c.4227A>G, p.Gln1409= (NM_001128849.3); c.4171-1793A>G (NM_001128844.3, NM_003072.5); c.4072-1793A>G (NM_001128847.4, NM_001374457.1, NM_001128848.2); c.4072-1784A>G (NM_001128845.2, NM_001128846.2).
Identifiers: ClinVar variation 484892 (VCV000484892.17), dbSNP rs909983958, ClinGen allele CA305293345.
Genomic context (GRCh38, chr19:11,039,514, plus strand): 5'-GTAGAAAATTACAGGAAAAGATATCCATGACACAGCCAGCAGTGTGGCACGTGGGCTACA[A>G]TTCCAGCGTGGCCTTCAGTTCTGCACACGTGCGTCAAAGGTGGGGAGAGTTCTGGTGGTG-3'
Protein context (NP_001374212.1, residues 1399-1419): DTASSVARGL[Gln1409=]FQRGLQFCTR